The following is an entry in ClinVar:

NM_004465.2(FGF10):c.355G>A (p.Gly119Arg)

Gene: FGF10 (fibroblast growth factor 10; minus strand). Cytogenetic location: 5p12.
Variant type: single nucleotide variant.
Coding change: c.355G>A on transcript NM_004465.2 (MANE Select); coding-DNA position 355, G replaced by A.
Protein change: p.Gly119Arg; replaces glycine 119 with arginine.
Molecular consequence: missense variant.
Genome position (GRCh38, 1-based): chr5:44,310,501, C>T on the plus strand (G>A on the coding strand, the complement: FGF10 is on the minus strand). VCF-style: chr5-44310501-C-T. GRCh37 (hg19) VCF-style: chr5-44310603-C-T.
Other names: short protein forms G119R.
Identifiers: ClinVar variation 2575897 (VCV002575897.2), dbSNP rs1740186895, ClinGen allele CA359698110.

ClinVar aggregate classification (germline): Likely pathogenic (1 of 4 stars; one submission).

Conditions:
Orofacial cleft 1 (OFC1). Also called: Nonsyndromic Cleft Lip/Palate; CLEFT LIP WITH OR WITHOUT CLEFT PALATE, NONSYNDROMIC, 1; OROFACIAL CLEFT, NONSYNDROMIC. Identifiers: MedGen C1861537, MeSH C566121, MONDO:0007335, OMIM 119530.

Submission:

Grupo de Genetica Humana, Facultad de Medicina - Universidad de La Sabana
Classification: Likely pathogenic for Orofacial cleft 1. Last evaluated: 2022-11-22. Review status: criteria provided, single submitter. Criteria: ACMG Guidelines, 2015. Collection method: research. Allele origin: germline. Affected: yes and no. Observed: 4 variant alleles.
Comment: Variant in FGF10 that has been involved in birth defects, such as Aplasia of lacrimal and salivary glands, craniosynostosis, among others, according to several online databases (CGD, ClinGen, GenCC, Mondo and gene2phenotype).

Literature cited by the submitters: DOI:10.3389/fgene.2018.00542.